The following is an entry in ClinVar:

ClinVar aggregate classification (germline): Uncertain significance (1 of 4 stars; one submission).

Conditions:
Congenital hyperammonemia, type I. Also called: Carbamoyl-phosphate synthase I deficiency; CPS I DEFICIENCY; Carbamoyl phosphate synthetase I deficiency disease; Carbamoyl phosphate synthetase 1 deficiency; Hyperammonemia due to carbamoyl phosphate synthetase 1 deficiency; CPS 1 deficiency. Identifiers: Orphanet 147, MedGen C4082171, MONDO:0009376, OMIM 237300.

gnomAD v4.1: 1 of 1,612,378 alleles (0.000062%); highest among the groups gnomAD compares: Non-Finnish European, 0.000085%; no homozygotes.

Submission:

Labcorp Genetics (formerly Invitae), Labcorp
Classification: Uncertain significance for Congenital hyperammonemia, type I. Last evaluated: 2022-09-27. Review status: criteria provided, single submitter. Criteria: Invitae Variant Classification Sherloc (09022015). Collection method: clinical testing. Allele origin: germline.
Comment: This sequence change replaces isoleucine, which is neutral and non-polar, with leucine, which is neutral and non-polar, at codon 745 of the CPS1 protein (p.Ile745Leu). This variant is not present in population databases (gnomAD no frequency). This variant has not been reported in the literature in individuals affected with CPS1-related conditions. Advanced modeling of protein sequence and biophysical properties (such as structural, functional, and spatial information, amino acid conservation, physicochemical variation, residue mobility, and thermodynamic stability) performed at Invitae indicates that this missense variant is not expected to disrupt CPS1 protein function. In summary, the available evidence is currently insufficient to determine the role of this variant in disease. Therefore, it has been classified as a Variant of Uncertain Significance.

NM_001875.5(CPS1):c.2233A>C (p.Ile745Leu)

Gene: CPS1 (carbamoyl-phosphate synthase 1; plus strand). Cytogenetic location: 2q34.
Variant type: single nucleotide variant.
Coding change: c.2233A>C on transcript NM_001875.5 (MANE Select); coding-DNA position 2233, A replaced by C.
Protein change: p.Ile745Leu; replaces isoleucine 745 with leucine.
Molecular consequence: missense variant. On other transcripts: non-coding transcript variant (2).
Genome position (GRCh38, 1-based): chr2:210,608,401, A>C. VCF-style: chr2-210608401-A-C. GRCh37 (hg19) VCF-style: chr2-211473125-A-C.
Other names: c.2233A>C, p.Ile745Leu (NM_001122633.3, NM_001369257.1); c.2266A>C, p.Ile756Leu (NM_001369256.1); short protein forms I745L, I756L.
Identifiers: ClinVar variation 1966608 (VCV001966608.2), dbSNP rs2469175217, ClinGen allele CA350439502.